The following is an entry in ClinVar:

NM_001348716.2(KDM6B):c.2053C>T (p.Pro685Ser)

Gene: KDM6B (lysine demethylase 6B; plus strand). Cytogenetic location: 17p13.1.
Variant type: single nucleotide variant.
Coding change: c.2053C>T on transcript NM_001348716.2 (MANE Select); coding-DNA position 2053, C replaced by T.
Protein change: p.Pro685Ser; replaces proline 685 with serine.
Molecular consequence: missense variant.
Genome position (GRCh38, 1-based): chr17:7,848,341, C>T. VCF-style: chr17-7848341-C-T. GRCh37 (hg19) VCF-style: chr17-7751659-C-T.
Other names: c.2053C>T, p.Pro685Ser (NM_001080424.2); short protein forms P685S.
Identifiers: ClinVar variation 3391621 (VCV003391621.2).

ClinVar aggregate classification (germline): Uncertain significance (1 of 4 stars; one submission).

Submission:

GeneDx
Classification: Uncertain significance. Last evaluated: 2026-06-03. Review status: criteria provided, single submitter. Criteria: GeneDx Variant Classification Process June 2021. Collection method: clinical testing. Allele origin: germline.
Comment: Not observed at significant frequency in large population cohorts (gnomAD); In silico analysis suggests that this missense variant does not alter protein structure/function; Has not been previously published as pathogenic or benign to our knowledge